The following is an entry in ClinVar:

NM_181426.2(CCDC39):c.1962_1998+30del

Gene: CCDC39 (coiled-coil domain 39 molecular ruler complex subunit; minus strand). Cytogenetic location: 3q26.33.
Variant type: Deletion.
Coding change: c.1962_1998+30del on transcript NM_181426.2 (MANE Select); coding-DNA position 1962 through 30 bases into the intron after coding-DNA position 1998, 67 bases deleted.
Molecular consequence: splice donor variant.
Genome position (GRCh38, 1-based): chr3:180,631,439-180,631,505, 67 bases deleted. GRCh37 (hg19): chr3:180,349,229-180,349,295.
Identifiers: ClinVar variation 3702727 (VCV003702727.2).

ClinVar aggregate classification (germline): Likely pathogenic (1 of 4 stars; one submission).

Conditions:
Primary ciliary dyskinesia. Also called: Ciliary dyskinesia. Identifiers: Orphanet 244, MedGen C0008780, MONDO:0016575, HP:0012265.

Submission:

Labcorp Genetics (formerly Invitae), Labcorp
Classification: Likely pathogenic for Primary ciliary dyskinesia. Last evaluated: 2024-04-29. Review status: criteria provided, single submitter. Criteria: Invitae Variant Classification Sherloc (09022015). Collection method: clinical testing. Allele origin: germline.
Comment: This variant results in the deletion of part of exon 14 (c.1962_1998+30del) of the CCDC39 gene. It is expected to disrupt RNA splicing. Variants that disrupt the donor or acceptor splice site typically lead to a loss of protein function (PMID: 16199547), and loss-of-function variants in CCDC39 are known to be pathogenic (PMID: 21131972, 23255504). This variant is not present in population databases (gnomAD no frequency). This variant has been observed in individual(s) with primary ciliary dyskinesia (Invitae). In summary, the currently available evidence indicates that the variant is pathogenic, but additional data are needed to prove that conclusively. Therefore, this variant has been classified as Likely Pathogenic.

Literature cited by the submitters: PubMed 16199547; PubMed 21131972; PubMed 23255504.